The following is an entry in ClinVar:

ClinVar aggregate classification (germline): Likely pathogenic (1 of 4 stars; one submission).

Conditions:
Early-infantile DEE. Also called: Ohtahara syndrome; Early infantile epileptic encephalopathy with suppression bursts; Early infantile epileptic encephalopathy. Identifiers: Orphanet 1934, MedGen C0393706, MONDO:0800491.

Submission:

Labcorp Genetics (formerly Invitae), Labcorp
Classification: Likely pathogenic for Early-infantile DEE. Last evaluated: 2022-02-10. Review status: criteria provided, single submitter. Criteria: Invitae Variant Classification Sherloc (09022015). Collection method: clinical testing. Allele origin: germline.
Comment: In summary, the currently available evidence indicates that the variant is pathogenic, but additional data are needed to prove that conclusively. Therefore, this variant has been classified as Likely Pathogenic. Algorithms developed to predict the effect of sequence changes on RNA splicing suggest that this variant may disrupt the consensus splice site. ClinVar contains an entry for this variant (Variation ID: 1067402). This variant has not been reported in the literature in individuals affected with SCN1A-related conditions. This variant is not present in population databases (gnomAD no frequency). This sequence change affects an acceptor splice site in intron 17 of the SCN1A gene. It is expected to disrupt RNA splicing. Variants that disrupt the donor or acceptor splice site typically lead to a loss of protein function (PMID: 16199547), and loss-of-function variants in SCN1A are known to be pathogenic (PMID: 17347258, 18930999).

Literature cited by the submitters: PubMed 16199547; PubMed 17347258; PubMed 18930999.

NM_001165963.4(SCN1A):c.3551-2A>T

Genes: SCN1A (sodium voltage-gated channel alpha subunit 1; minus strand), LOC102724058 (uncharacterized LOC102724058; plus strand). Cytogenetic location: 2q24.3.
Variant type: single nucleotide variant.
Coding change: c.3551-2A>T on transcript NM_001165963.4 (MANE Select); the canonical splice acceptor site of the intron before coding-DNA position 3551, A replaced by T.
Molecular consequence: splice acceptor variant.
Genome position (GRCh38, 1-based): chr2:166,013,900, T>A on the plus strand (A>T on the coding strand, the complement: SCN1A is on the minus strand). VCF-style: chr2-166013900-T-A. GRCh37 (hg19) VCF-style: chr2-166870410-T-A.
Other names: c.3518-2A>T (NM_001353949.2, NM_001353950.2, NM_001353951.2 and 2 more transcripts); c.3467-2A>T (NM_001353958.2, NM_001353957.2, NM_001165964.3); c.3551-2A>T (NM_001202435.3, NM_001353948.2); c.3515-2A>T (NM_001353955.2, NM_001353954.2); c.3464-2A>T (NM_001353960.2); c.1109-2A>T (NM_001353961.2).
Identifiers: ClinVar variation 1067402 (VCV001067402.8), dbSNP rs2105612020, ClinGen allele CA349056444.
Genomic context (GRCh38, chr2:166,013,900, plus strand): 5'-TTGTTTTCCTCTGCCTTCTTCCACATTGATTTGACAACACTTGAATCTTTGTACACAGCC[T>A]GCAGAAAGTGTTGAAATAAAAGTAGATAAAGTGTCTCTGCTTCCATAATATCCTTTAGCA-3'